The following is an entry in ClinVar:

NM_002439.5(MSH3):c.1336G>A (p.Val446Ile)

Gene: MSH3 (mutS homolog 3; plus strand). Cytogenetic location: 5q14.1.
Variant type: single nucleotide variant.
Coding change: c.1336G>A on transcript NM_002439.5 (MANE Select); coding-DNA position 1336, G replaced by A.
Protein change: p.Val446Ile; replaces valine 446 with isoleucine.
Molecular consequence: missense variant.
Genome position (GRCh38, 1-based): chr5:80,679,089, G>A. VCF-style: chr5-80679089-G-A. GRCh37 (hg19) VCF-style: chr5-79974908-G-A.
Other names: short protein forms V446I.
Identifiers: ClinVar variation 4111121 (VCV004111121.1).

ClinVar aggregate classification (germline): Uncertain significance (1 of 4 stars; one submission).

Conditions:
Hereditary cancer-predisposing syndrome. Also called: Tumor predisposition; Neoplastic Syndromes, Hereditary; Hereditary neoplastic syndrome; Hereditary Cancer Syndrome. Identifiers: Orphanet 140162, MedGen C0027672, MeSH D009386, MONDO:0015356.

Submission:

Ambry Genetics
Classification: Uncertain significance for Hereditary cancer-predisposing syndrome. Last evaluated: 2025-09-01. Review status: criteria provided, single submitter. Criteria: Ambry Variant Classification Scheme 2023. Collection method: clinical testing. Allele origin: germline.
Comment: The p.V446I variant (also known as c.1336G>A), located in coding exon 8 of the MSH3 gene, results from a G to A substitution at nucleotide position 1336. The valine at codon 446 is replaced by isoleucine, an amino acid with highly similar properties. This amino acid position is conserved. In addition, this alteration is predicted to be tolerated by in silico analysis. Based on the available evidence, the clinical significance of this variant remains unclear.